The following is an entry in ClinVar:

ClinVar aggregate classification (germline): Uncertain significance. Review status: criteria provided, multiple submitters, no conflicts (2 of 4 stars). 2 submissions from 2 submitters: Uncertain significance (2). Last evaluated 2025-04-14.

Allele frequency attached by ClinVar (database versions not stated): gnomAD 0.00006; ExAC 0.00010; TOPMed 0.00004.
gnomAD v4.1: 28 of 1,614,186 alleles (0.0017%); highest among the groups gnomAD compares: East Asian, 0.058%; no homozygotes.

Submissions (2):

Labcorp Genetics (formerly Invitae), Labcorp
Classification: Uncertain significance. Last evaluated: 2025-04-14. Review status: criteria provided, single submitter. Criteria: Invitae Variant Classification Sherloc (09022015). Collection method: clinical testing. Allele origin: germline.
Comment: This sequence change replaces asparagine, which is neutral and polar, with tyrosine, which is neutral and polar, at codon 195 of the DLC1 protein (p.Asn195Tyr). This variant is present in population databases (rs370529997, gnomAD 0.1%), and has an allele count higher than expected for a pathogenic variant. This variant has not been reported in the literature in individuals affected with DLC1-related conditions. ClinVar contains an entry for this variant (Variation ID: 2602640). An algorithm developed to predict the effect of missense changes on protein structure and function (PolyPhen-2) suggests that this variant is likely to be tolerated. In summary, the available evidence is currently insufficient to determine the role of this variant in disease. Therefore, it has been classified as a Variant of Uncertain Significance.

Ambry Genetics
Classification: Uncertain significance. Last evaluated: 2023-08-09. Review status: criteria provided, single submitter. Criteria: Ambry Variant Classification Scheme 2023. Collection method: clinical testing. Allele origin: germline.
Comment: Does not currently meet published gene-disease clinical validity criteria Based on insufficient or conflicting evidence, the clinical significance of this alteration remains unclear.

Literature cited by the submitters: PubMed 28106320 (cited by Ambry Genetics).

NM_182643.3(DLC1):c.583A>T (p.Asn195Tyr)

Gene: DLC1 (DLC1 Rho GTPase activating protein; minus strand). Cytogenetic location: 8p22.
Variant type: single nucleotide variant.
Coding change: c.583A>T on transcript NM_182643.3 (MANE Select); coding-DNA position 583, A replaced by T.
Protein change: p.Asn195Tyr; replaces asparagine 195 with tyrosine.
Molecular consequence: missense variant. On other transcripts: 5 prime UTR variant (1).
Genome position (GRCh38, 1-based): chr8:13,499,489, T>A on the plus strand (A>T on the coding strand, the complement: DLC1 is on the minus strand). VCF-style: chr8-13499489-T-A. GRCh37 (hg19) VCF-style: chr8-13356998-T-A.
Other names: c.583A>T, p.Asn195Tyr (NM_001348081.2, NM_001413124.1, NM_001413125.1 and 1 more transcripts); c.-869A>T (NM_001348082.2); short protein forms N195Y.
Identifiers: ClinVar variation 2602640 (VCV002602640.4), dbSNP rs370529997, ClinGen allele CA4639465.